The following is an entry in ClinVar:

NM_025103.4(IFT74):c.334G>A (p.Val112Ile)

Gene: IFT74 (intraflagellar transport 74; plus strand). Cytogenetic location: 9p21.2.
Variant type: single nucleotide variant.
Coding change: c.334G>A on transcript NM_025103.4 (MANE Select); coding-DNA position 334, G replaced by A.
Protein change: p.Val112Ile; replaces valine 112 with isoleucine.
Molecular consequence: missense variant.
Genome position (GRCh38, 1-based): chr9:26,984,285, G>A. VCF-style: chr9-26984285-G-A. GRCh37 (hg19) VCF-style: chr9-26984283-G-A.
Other names: c.334G>A, p.Val112Ile (NM_001099222.3, NM_001099223.3, NM_001099224.3 and 1 more transcripts); short protein forms V112I.
Identifiers: ClinVar variation 4984108 (VCV004984108.1).
Genomic context (GRCh38, chr9:26,984,285, plus strand): 5'-TATTGCTGACATTCTTATTTCTTTTCTAATAGAAGTAAAATAAGTGAACTTACAACTGAA[G>A]TTAATAAACTTCAGAAGGGAATAGAAATGTACAATCAAGAGAATTCAGTATATTTGTCAT-3'
Protein context (NP_079379.2, residues 102-122): RSKISELTTE[Val112Ile]NKLQKGIEMY

ClinVar aggregate classification (germline): Uncertain significance (1 of 4 stars; one submission).

Conditions:
IFT74-related disorder. Also called: IFT74-related condition; IFT74-Related Disorders.

gnomAD v4.1: 1 of 1,569,506 alleles (0.000064%); highest among the groups gnomAD compares: African/African-American, 0.0014%; no homozygotes.

Submission:

PreventionGenetics, part of Exact Sciences
Classification: Uncertain significance for IFT74-related condition. Last evaluated: 2025-08-12. Review status: criteria provided, single submitter. Criteria: ACMG Guidelines, 2015. Collection method: clinical testing. Allele origin: germline.
Comment: The IFT74 c.334G>A variant is predicted to result in the amino acid substitution p.Val112Ile. To our knowledge, this variant has not been reported in the literature. This variant is reported in 0.011% of alleles in individuals of African descent in gnomAD. At this time, the clinical significance of this variant is uncertain due to the absence of conclusive functional and genetic evidence.